The following is an entry in ClinVar:

NM_000384.3(APOB):c.11816G>A (p.Gly3939Asp)

Gene: APOB (apolipoprotein B; minus strand). Cytogenetic location: 2p24.1.
Variant type: single nucleotide variant.
Coding change: c.11816G>A on transcript NM_000384.3 (MANE Select); coding-DNA position 11816, G replaced by A.
Protein change: p.Gly3939Asp; replaces glycine 3939 with aspartic acid.
Molecular consequence: missense variant.
Genome position (GRCh38, 1-based): chr2:21,004,648, C>T on the plus strand (G>A on the coding strand, the complement: APOB is on the minus strand). VCF-style: chr2-21004648-C-T. GRCh37 (hg19) VCF-style: chr2-21227520-C-T.
Other names: short protein forms G3939D.
Identifiers: ClinVar variation 334093 (VCV000334093.16), dbSNP rs142828185, ClinGen allele CA047649.
Genomic context (GRCh38, chr2:21,004,648, plus strand): 5'-TCATATTCTGCACTGAAGTCACGGTGTGCAAATGTTCCTTTAGTCTTAGAGGCTAACGTA[C>T]CATCTTCGATTTTGTGTGTTCCCAAAACTGTATAGGAGAGATTTTGTATTTTATTAGATT-3'
Protein context (NP_000375.3, residues 3929-3949): NVLGTHKIED[Gly3939Asp]TLASKTKGTF

ClinVar aggregate classification (germline): Conflicting classifications of pathogenicity. Review status: criteria provided, conflicting classifications (1 of 4 stars). 7 submissions from 6 submitters: Uncertain significance (6); Benign (1). Last evaluated 2025-10-13.

Conditions:
Hypercholesterolemia, autosomal dominant, type B (FHCL2). Also called: Familial Hypercholesterolemia Type B; HYPERCHOLESTEROLEMIA, FAMILIAL, DUE TO LIGAND-DEFECTIVE APOLIPOPROTEIN B; APOB-Related Familial Hypercholesterolemia, Autosomal Dominant; Familial hypercholesterolemia 2; APOLIPOPROTEIN B-100, FAMILIAL DEFECTIVE; APOLIPOPROTEIN B-100, FAMILIAL LIGAND-DEFECTIVE. Identifiers: MedGen C1704417, MONDO:0007751, OMIM 144010.
Familial hypobetalipoproteinemia 1. Also called: APOB-Related Familial Hypobetalipoproteinemia; Hypobetalipoproteinemia, normotriglyceridemic; Acanthocytosis with hypobetalipoproteinemia. Identifiers: MedGen C4551990, MONDO:0014252, OMIM 615558.
Cardiovascular phenotype. Identifiers: MedGen CN230736.

Allele frequency attached by ClinVar (database versions not stated): ExAC 0.00002; ESP Exome Variant Server 0.00008; TOPMed 0.00009; gnomAD exomes 0.00001; gnomAD 0.00009.
gnomAD v4.1: 19 of 1,613,652 alleles (0.0012%); highest among the groups gnomAD compares: African/African-American, 0.021%; no homozygotes.

Submissions (7):

Labcorp Genetics (formerly Invitae), Labcorp
Classification: Benign for Familial hypobetalipoproteinemia 1; Hypercholesterolemia, autosomal dominant, type B. Last evaluated: 2025-10-13. Review status: criteria provided, single submitter. Criteria: Invitae Variant Classification Sherloc (09022015). Collection method: clinical testing. Allele origin: germline.

GeneDx
Classification: Uncertain significance. Last evaluated: 2025-10-01. Review status: criteria provided, single submitter. Criteria: GeneDx Variant Classification Process June 2021. Collection method: clinical testing. Allele origin: germline.
Comment: In silico analysis supports that this missense variant has a deleterious effect on protein structure/function; Has not been previously published as pathogenic or benign to our knowledge; Also known as G3912D

Ambry Genetics
Classification: Uncertain significance for Cardiovascular phenotype. Last evaluated: 2025-03-23. Review status: criteria provided, single submitter. Criteria: Ambry Variant Classification Scheme 2023. Collection method: clinical testing. Allele origin: germline.
Comment: The p.G3939D variant (also known as c.11816G>A), located in coding exon 27 of the APOB gene, results from a G to A substitution at nucleotide position 11816. The glycine at codon 3939 is replaced by aspartic acid, an amino acid with similar properties. This amino acid position is not well conserved in available vertebrate species, and aspartic acid is the reference amino acid in other vertebrate species. In addition, this alteration is predicted to be tolerated by in silico analysis. Since supporting evidence is limited at this time, the clinical significance of this alteration remains unclear.

Fulgent Genetics
Classification: Uncertain significance for Hypercholesterolemia, autosomal dominant, type B; Familial hypobetalipoproteinemia 1. Last evaluated: 2021-09-24. Review status: criteria provided, single submitter. Criteria: ACMG Guidelines, 2015. Collection method: clinical testing. Allele origin: unknown.

Quest Diagnostics Nichols Institute San Juan Capistrano
Classification: Uncertain significance. Last evaluated: 2019-03-21. Review status: criteria provided, single submitter. Criteria: Quest Diagnostics criteria. Collection method: clinical testing. Allele origin: germline.

Illumina Laboratory Services, Illumina
Classification: Uncertain significance for Familial hypobetalipoproteinemia 1. Last evaluated: 2018-01-12. Review status: criteria provided, single submitter. Criteria: ICSL Variant Classification Criteria 13 December 2019. Collection method: clinical testing. Allele origin: germline.

Illumina Laboratory Services, Illumina
Classification: Uncertain significance for Hypercholesterolemia, autosomal dominant, type B. Last evaluated: 2018-01-12. Review status: criteria provided, single submitter. Criteria: ICSL Variant Classification Criteria 13 December 2019. Collection method: clinical testing. Allele origin: germline.